The following is an entry in ClinVar:

NM_031924.8(RSPH3):c.-337T>A

Genes: RSPH3 (radial spoke head 3; minus strand), TAGAP-AS1 (TAGAP antisense RNA 1; plus strand). Cytogenetic location: 6q25.3.
Variant type: single nucleotide variant.
Coding change: c.-337T>A on transcript NM_031924.8 (MANE Select); 337 bases upstream of the start codon, T replaced by A.
Molecular consequence: 5 prime UTR variant. On other transcripts: non-coding transcript variant (3), missense variant (1).
Genome position (GRCh38, 1-based): chr6:158,999,887, A>T on the plus strand (T>A on the coding strand, the complement: RSPH3 is on the minus strand). VCF-style: chr6-158999887-A-T. GRCh37 (hg19) VCF-style: chr6-159420919-A-T.
Other names: c.90T>A, p.Ser30Arg (NM_001346418.1); short protein forms S30R.
Identifiers: ClinVar variation 4717427 (VCV004717427.1).

ClinVar aggregate classification (germline): Uncertain significance (1 of 4 stars; one submission).

Conditions:
Primary ciliary dyskinesia 32. Also called: CILIARY DYSKINESIA, PRIMARY, 32, WITHOUT SITUS INVERSUS. Identifiers: Orphanet 244, MedGen C4225311, MONDO:0014657, OMIM 616481.

Submission:

Labcorp Genetics (formerly Invitae), Labcorp
Classification: Uncertain significance for Primary ciliary dyskinesia 32. Last evaluated: 2025-05-19. Review status: criteria provided, single submitter. Criteria: Invitae Variant Classification Sherloc (09022015). Collection method: clinical testing. Allele origin: germline.
Comment: This sequence change replaces serine, which is neutral and polar, with arginine, which is basic and polar, at codon 30 of the RSPH3 protein (p.Ser30Arg). This variant is not present in population databases (gnomAD no frequency). This variant has not been reported in the literature in individuals affected with RSPH3-related conditions. An algorithm developed to predict the effect of missense changes on protein structure and function (PolyPhen-2) suggests that this variant is likely to be tolerated. In summary, the available evidence is currently insufficient to determine the role of this variant in disease. Therefore, it has been classified as a Variant of Uncertain Significance.